The following is an entry in ClinVar:

NM_012452.3(TNFRSF13B):c.61+1G>A

Gene: TNFRSF13B (TNF receptor superfamily member 13B; minus strand). Cytogenetic location: 17p11.2.
Variant type: single nucleotide variant.
Coding change: c.61+1G>A on transcript NM_012452.3 (MANE Select); the canonical splice donor site of the intron after coding-DNA position 61, G replaced by A.
Molecular consequence: splice donor variant.
Genome position (GRCh38, 1-based): chr17:16,972,014, C>T on the plus strand (G>A on the coding strand, the complement: TNFRSF13B is on the minus strand). VCF-style: chr17-16972014-C-T. GRCh37 (hg19) VCF-style: chr17-16875328-C-T.
Identifiers: ClinVar variation 1455440 (VCV001455440.9), dbSNP rs1016142312, ClinGen allele CA288309648.

ClinVar aggregate classification (germline): Pathogenic/Likely pathogenic. Review status: criteria provided, multiple submitters, no conflicts (2 of 4 stars). 4 submissions from 4 submitters: Pathogenic (2); Likely pathogenic (2). Last evaluated 2025-06-25.

Conditions:
Immunodeficiency, common variable, 2 (CVID2). Also called: ANTIBODY DEFICIENCY DUE TO TACI DEFECT; HYPOGAMMAGLOBULINEMIA DUE TO TACI DEFICIENCY. Identifiers: Orphanet 1572, MedGen C3150354, MONDO:0009413, OMIM 240500.
Immunoglobulin A deficiency 2 (IGAD2). Identifiers: MedGen C1836032, MONDO:0012291, OMIM 609529.

gnomAD v4.1: 1 of 1,614,182 alleles (0.000062%); highest among the groups gnomAD compares: East Asian, 0.0022%; no homozygotes.

Submissions (4):

Institute of Human Genetics, University of Leipzig Medical Center
Classification: Pathogenic for Immunodeficiency, common variable, 2. Last evaluated: 2025-06-25. Review status: criteria provided, single submitter. Criteria: ACMG Guidelines, 2015. Collection method: clinical testing. Allele origin: unknown. Affected: yes.
Comment: Criteria applied: PVS1,PM2

Labcorp Genetics (formerly Invitae), Labcorp
Classification: Pathogenic for Immunodeficiency, common variable, 2. Last evaluated: 2021-08-12. Review status: criteria provided, single submitter. Criteria: Invitae Variant Classification Sherloc (09022015). Collection method: clinical testing. Allele origin: germline.
Comment: This sequence change affects a donor splice site in intron 1 of the TNFRSF13B gene. It is expected to disrupt RNA splicing. Variants that disrupt the donor or acceptor splice site typically lead to a loss of protein function (PMID: 16199547), and loss-of-function variants in TNFRSF13B are known to be pathogenic (PMID: 16007087, 27123465). This variant is not present in population databases (ExAC no frequency). This variant has not been reported in the literature in individuals affected with TNFRSF13B-related conditions. Studies have shown that disruption of this splice site alters TNFRSF13B gene expression (PMID: 19629655). Algorithms developed to predict the effect of sequence changes on RNA splicing suggest that this variant may disrupt the consensus splice site. For these reasons, this variant has been classified as Pathogenic.

Fulgent Genetics
Classification: Likely pathogenic for Immunodeficiency, common variable, 2; Immunoglobulin A deficiency 2. Last evaluated: 2021-08-06. Review status: criteria provided, single submitter. Criteria: ACMG Guidelines, 2015. Collection method: clinical testing. Allele origin: unknown.

Juno Genomics, Hangzhou Juno Genomics, Inc
Classification: Likely pathogenic for Immunodeficiency, common variable, 2; Immunoglobulin A deficiency 2. Review status: criteria provided, single submitter. Criteria: ACMG Guidelines, 2015. Collection method: clinical testing. Allele origin: germline.
Comment: Null variant in a gene where loss of function (LOF) is a known mechanism of disease.;Absent from controls (or at extremely low frequency if recessive) in Genome Aggregation Database.

Literature cited by the submitters: PubMed 16199547 (cited by Labcorp Genetics (formerly Invitae), Labcorp); PubMed 16007087 (cited by Labcorp Genetics (formerly Invitae), Labcorp); PubMed 27123465 (cited by Labcorp Genetics (formerly Invitae), Labcorp); PubMed 19629655 (cited by Labcorp Genetics (formerly Invitae), Labcorp).